The following is an entry in ClinVar:

ClinVar aggregate classification (germline): Uncertain significance (1 of 4 stars; one submission).

Allele frequency attached by ClinVar (database versions not stated): TOPMed 0.00002; gnomAD exomes below 0.00001 and 0.00004; gnomAD 0.00001.
gnomAD v4.1: 8 of 1,551,796 alleles (0.00052%); highest among the groups gnomAD compares: East Asian, 0.017%; no homozygotes.

Submission:

Labcorp Genetics (formerly Invitae), Labcorp
Classification: Uncertain significance. Last evaluated: 2025-12-21. Review status: criteria provided, single submitter. Criteria: Invitae Variant Classification Sherloc (09022015). Collection method: clinical testing. Allele origin: germline.
Comment: This sequence change replaces lysine, which is basic and polar, with asparagine, which is neutral and polar, at codon 1048 of the ZSWIM6 protein (p.Lys1048Asn). This variant is present in population databases (no rsID available, gnomAD 0.06%). This variant has not been reported in the literature in individuals affected with ZSWIM6-related conditions. ClinVar contains an entry for this variant (Variation ID: 1514466). Invitae Evidence Modeling of protein sequence and biophysical properties (such as structural, functional, and spatial information, amino acid conservation, physicochemical variation, residue mobility, and thermodynamic stability) indicates that this missense variant is not expected to disrupt ZSWIM6 protein function with a negative predictive value of 80%. In summary, the available evidence is currently insufficient to determine the role of this variant in disease. Therefore, it has been classified as a Variant of Uncertain Significance.

NM_020928.2(ZSWIM6):c.3144G>T (p.Lys1048Asn)

Gene: ZSWIM6 (zinc finger SWIM-type containing 6; plus strand). Cytogenetic location: 5q12.1.
Variant type: single nucleotide variant.
Coding change: c.3144G>T on transcript NM_020928.2 (MANE Select); coding-DNA position 3144, G replaced by T.
Protein change: p.Lys1048Asn; replaces lysine 1048 with asparagine.
Molecular consequence: missense variant.
Genome position (GRCh38, 1-based): chr5:61,543,813, G>T. VCF-style: chr5-61543813-G-T. GRCh37 (hg19) VCF-style: chr5-60839640-G-T.
Other names: short protein forms K1048N.
Identifiers: ClinVar variation 1514466 (VCV001514466.6), dbSNP rs1456655410, ClinGen allele CA359946956.